The following is an entry in ClinVar:

ClinVar aggregate classification (germline): Benign/Likely benign. Review status: criteria provided, multiple submitters, no conflicts (2 of 4 stars). 3 submissions from 3 submitters: Benign (1); Likely benign (2). Last evaluated 2025-05-02.

Conditions:
Familial cancer of breast. Also called: BREAST CANCER, FAMILIAL; Hereditary breast cancer; hereditary breast carcinoma. Identifiers: Orphanet 227535, MedGen C0346153, MONDO:0016419, OMIM 114480. Disease mechanism: loss of function.
Hereditary cancer-predisposing syndrome. Also called: Neoplastic Syndromes, Hereditary; Tumor predisposition; Hereditary neoplastic syndrome; Hereditary Cancer Syndrome. Identifiers: Orphanet 140162, MedGen C0027672, MeSH D009386, MONDO:0015356.

Submissions (3):

Labcorp Genetics (formerly Invitae), Labcorp
Classification: Likely benign for Familial cancer of breast. Last evaluated: 2025-05-02. Review status: criteria provided, single submitter. Criteria: Invitae Variant Classification Sherloc (09022015). Collection method: clinical testing. Allele origin: germline.

Myriad Genetics, Inc.
Classification: Benign for Familial cancer of breast. Last evaluated: 2024-07-24. Review status: criteria provided, single submitter. Criteria: Myriad Autosomal Dominant, Autosomal Recessive and X-Linked Classification Criteria (2023). Collection method: clinical testing. Allele origin: unknown.
Comment: This variant is considered benign. This variant is a silent/synonymous amino acid change and it is not expected to impact splicing.

Ambry Genetics
Classification: Likely benign for Hereditary cancer-predisposing syndrome. Last evaluated: 2022-12-16. Review status: criteria provided, single submitter. Criteria: Ambry Variant Classification Scheme 2023. Collection method: clinical testing. Allele origin: germline.

NM_000465.4(BARD1):c.1075T>C (p.Leu359=)

Gene: BARD1 (BRCA1 associated RING domain 1; minus strand). Cytogenetic location: 2q35.
Variant type: single nucleotide variant.
Coding change: c.1075T>C on transcript NM_000465.4 (MANE Select); coding-DNA position 1075, T replaced by C.
Protein change: p.Leu359=; no amino-acid change (leucine 359 retained).
Molecular consequence: synonymous variant. On other transcripts: non-coding transcript variant (2), intron variant (3).
Genome position (GRCh38, 1-based): chr2:214,780,799, A>G on the plus strand (T>C on the coding strand, the complement: BARD1 is on the minus strand). VCF-style: chr2-214780799-A-G. GRCh37 (hg19) VCF-style: chr2-215645523-A-G.
Other names: c.1018T>C, p.Leu340= (NM_001282543.2); c.159-28244T>C (NM_001282548.2); c.215+16262T>C (NM_001282545.2); c.364+11498T>C (NM_001282549.2).
Identifiers: ClinVar variation 3231756 (VCV003231756.3), dbSNP rs1694964207, ClinGen allele CA431392313.